The following is an entry in ClinVar:

ClinVar aggregate classification (germline): Uncertain significance (1 of 4 stars; one submission).

Conditions:
Werner syndrome (WRN). Identifiers: Orphanet 902, MedGen C0043119, MONDO:0010196, OMIM 277700.

gnomAD v4.1: 2 of 1,588,820 alleles (0.00013%); highest among the groups gnomAD compares: East Asian, 0.0022%; no homozygotes.

Submission:

Labcorp Genetics (formerly Invitae), Labcorp
Classification: Uncertain significance for Werner syndrome. Last evaluated: 2024-10-06. Review status: criteria provided, single submitter. Criteria: Invitae Variant Classification Sherloc (09022015). Collection method: clinical testing. Allele origin: germline.
Comment: This sequence change replaces asparagine, which is neutral and polar, with serine, which is neutral and polar, at codon 1105 of the WRN protein (p.Asn1105Ser). This variant is not present in population databases (gnomAD no frequency). This variant has not been reported in the literature in individuals affected with WRN-related conditions. An algorithm developed to predict the effect of missense changes on protein structure and function outputs the following: PolyPhen-2: "Benign". The serine amino acid residue is found in multiple mammalian species, which suggests that this missense change does not adversely affect protein function. In summary, the available evidence is currently insufficient to determine the role of this variant in disease. Therefore, it has been classified as a Variant of Uncertain Significance.

NM_000553.6(WRN):c.3314A>G (p.Asn1105Ser)

Gene: WRN (WRN RecQ like helicase; plus strand). Cytogenetic location: 8p12.
Variant type: single nucleotide variant.
Coding change: c.3314A>G on transcript NM_000553.6 (MANE Select); coding-DNA position 3314, A replaced by G.
Protein change: p.Asn1105Ser; replaces asparagine 1105 with serine.
Molecular consequence: missense variant.
Genome position (GRCh38, 1-based): chr8:31,143,554, A>G. VCF-style: chr8-31143554-A-G. GRCh37 (hg19) VCF-style: chr8-31001070-A-G.
Other names: short protein forms N1105S.
Identifiers: ClinVar variation 3667069 (VCV003667069.2).